The following is an entry in ClinVar:

NM_000195.5(HPS1):c.836C>T (p.Thr279Met)

Gene: HPS1 (HPS1 biogenesis of lysosomal organelles complex 3 subunit 1; minus strand). Cytogenetic location: 10q24.2.
Variant type: single nucleotide variant.
Coding change: c.836C>T on transcript NM_000195.5 (MANE Select); coding-DNA position 836, C replaced by T.
Protein change: p.Thr279Met; replaces threonine 279 with methionine.
Molecular consequence: missense variant. On other transcripts: 5 prime UTR variant (1), intron variant (8).
Genome position (GRCh38, 1-based): chr10:98,429,822, G>A on the plus strand (C>T on the coding strand, the complement: HPS1 is on the minus strand). VCF-style: chr10-98429822-G-A. GRCh37 (hg19) VCF-style: chr10-100189579-G-A.
Other names: p.Thr279Met; c.836C>T, p.Thr279Met (NM_001322476.2, NM_001322477.2, NM_182639.4); c.575C>T, p.Thr192Met (NM_001322480.2, NM_001322481.2); c.467C>T, p.Thr156Met (NM_001322483.2, NM_001322484.2); c.-137C>T (NM_001322487.2); c.718C>T, p.Arg240Trp (NM_001322490.2); c.769-180C>T (NM_001322478.2, NM_001322479.2, NM_001322491.2); c.400-180C>T (NM_001322485.2); and 4 more; short protein forms R240W, T192M, T279M, T156M.
Identifiers: ClinVar variation 3589013 (VCV003589013.3).

ClinVar aggregate classification (germline): Uncertain significance. Review status: criteria provided, multiple submitters, no conflicts (2 of 4 stars). 3 submissions from 3 submitters: Uncertain significance (3). Last evaluated 2025-08-08.

Conditions:
Inborn genetic diseases. Identifiers: MedGen C0950123, MeSH D030342.
Hermansky-Pudlak syndrome 1 (HPS1). Also called: DELTA STORAGE POOL DISEASE. Identifiers: Orphanet 231500, Orphanet 79430, MedGen C2931875, MONDO:0008748, OMIM 203300.

gnomAD v4.1: 12 of 1,613,696 alleles (0.00074%); highest among the groups gnomAD compares: Middle Eastern, 0.033%; no homozygotes.

Submissions (3):

Ambry Genetics
Classification: Uncertain significance for Inborn genetic diseases. Last evaluated: 2025-08-08. Review status: criteria provided, single submitter. Criteria: Ambry Variant Classification Scheme 2023. Collection method: clinical testing. Allele origin: germline.

Mayo Clinic Laboratories, Mayo Clinic
Classification: Uncertain significance. Last evaluated: 2025-02-04. Review status: criteria provided, single submitter. Criteria: ACMG Guidelines, 2015. Collection method: clinical testing. Allele origin: germline. Observed: 1 variant allele.
Comment: BP4_moderate, PM2_supporting

Fulgent Genetics
Classification: Uncertain significance for Hermansky-Pudlak syndrome 1. Last evaluated: 2024-02-26. Review status: criteria provided, single submitter. Criteria: ACMG Guidelines, 2015. Collection method: clinical testing. Allele origin: germline.